The following is an entry in ClinVar:

NM_001005373.4(LRSAM1):c.182T>C (p.Ile61Thr)

Gene: LRSAM1 (leucine rich repeat and sterile alpha motif containing 1; plus strand). Cytogenetic location: 9q33.3.
Variant type: single nucleotide variant.
Coding change: c.182T>C on transcript NM_001005373.4 (MANE Select); coding-DNA position 182, T replaced by C.
Protein change: p.Ile61Thr; replaces isoleucine 61 with threonine.
Molecular consequence: missense variant. On other transcripts: 5 prime UTR variant (1), non-coding transcript variant (2).
Genome position (GRCh38, 1-based): chr9:127,457,323, T>C. VCF-style: chr9-127457323-T-C. GRCh37 (hg19) VCF-style: chr9-130219602-T-C.
Other names: c.182T>C, p.Ile61Thr (NM_001005374.4, NM_001190723.3, NM_001384142.1 and 2 more transcripts); c.-603T>C (NM_001384144.1); short protein forms I61T.
Identifiers: ClinVar variation 1062896 (VCV001062896.9), dbSNP rs1834556629, ClinGen allele CA374964150.

ClinVar aggregate classification (germline): Uncertain significance (1 of 4 stars; one submission).

Conditions:
Charcot-Marie-Tooth disease axonal type 2P. Also called: CHARCOT-MARIE-TOOTH DISEASE, AXONAL, TYPE 2G; CMT 2G; CHARCOT-MARIE-TOOTH NEUROPATHY, TYPE 2P; Charcot-Marie-Tooth Neuropathy Type 2G. Identifiers: Orphanet 300319, Orphanet 99941, MedGen C3280797, MONDO:0013753, OMIM 614436.

Allele frequency attached by ClinVar (database versions not stated): TOPMed below 0.00001.

Submission:

Labcorp Genetics (formerly Invitae), Labcorp
Classification: Uncertain significance for Charcot-Marie-Tooth disease axonal type 2P. Last evaluated: 2020-07-21. Review status: criteria provided, single submitter. Criteria: Invitae Variant Classification Sherloc (09022015). Collection method: clinical testing. Allele origin: germline.
Comment: This sequence change replaces isoleucine with threonine at codon 61 of the LRSAM1 protein (p.Ile61Thr). The isoleucine residue is highly conserved and there is a moderate physicochemical difference between isoleucine and threonine. This variant is not present in population databases (ExAC no frequency). This variant has not been reported in the literature in individuals with LRSAM1-related conditions. Algorithms developed to predict the effect of missense changes on protein structure and function (SIFT, PolyPhen-2, Align-GVGD) all suggest that this variant is likely to be disruptive, but these predictions have not been confirmed by published functional studies and their clinical significance is uncertain. In summary, the available evidence is currently insufficient to determine the role of this variant in disease. Therefore, it has been classified as a Variant of Uncertain Significance.